The following is an entry in ClinVar:

ClinVar aggregate classification (germline): Likely benign. Review status: criteria provided, multiple submitters, no conflicts (2 of 4 stars). 5 submissions from 5 submitters: Likely benign (5). Last evaluated 2025-12-18.

Conditions:
Cardiovascular phenotype. Identifiers: MedGen CN230736.
Cardiomyopathy (CMYO). Also called: Cardiomyopathies. Identifiers: Orphanet 167848, MedGen C0878544, MONDO:0004994, HP:0001638. Inheritance: Various modes of inheritance.
Hypertrophic cardiomyopathy. Also called: HYPERTROPHIC MYOCARDIOPATHY. Identifiers: Orphanet 217569, MedGen C0007194, MeSH D002312, MONDO:0005045, HP:0001639.

Allele frequency attached by ClinVar (database versions not stated): gnomAD 0.00001.
gnomAD v4.1: 3 of 1,610,700 alleles (0.00019%); highest among the groups gnomAD compares: Non-Finnish European, 0.00025%; no homozygotes.

Submissions (5):

Labcorp Genetics (formerly Invitae), Labcorp
Classification: Likely benign for Hypertrophic cardiomyopathy. Last evaluated: 2025-12-18. Review status: criteria provided, single submitter. Criteria: Invitae Variant Classification Sherloc (09022015). Collection method: clinical testing. Allele origin: germline.

Blueprint Genetics
Classification: Likely benign. Last evaluated: 2024-09-18. Review status: criteria provided, single submitter. Criteria: ACMG Guidelines, 2015. Collection method: clinical testing. Allele origin: germline.

All of Us Research Program, National Institutes of Health
Classification: Likely benign for Hypertrophic cardiomyopathy. Last evaluated: 2023-10-27. Review status: criteria provided, single submitter. Criteria: ACMG Guidelines, 2015. Collection method: clinical testing. Allele origin: germline. Inheritance: Autosomal dominant inheritance. Observed: 4 variant alleles, 4 heterozygotes.
Comment: This study involves interpretation of variants in research participants for the purpose of population health screening. Participant phenotype was not available at the time of variant classification. Additional details can be found in publication PMID: 35346344, PMCID: PMC8962531

Color Diagnostics, LLC DBA Color Health
Classification: Likely benign for Cardiomyopathy. Last evaluated: 2019-01-07. Review status: criteria provided, single submitter. Criteria: ACMG Guidelines, 2015. Collection method: clinical testing. Allele origin: germline.

Ambry Genetics
Classification: Likely benign for Cardiovascular phenotype. Last evaluated: 2017-03-02. Review status: criteria provided, single submitter. Criteria: Ambry Variant Classification Scheme 2023. Collection method: clinical testing. Allele origin: germline.

NM_000256.3(MYBPC3):c.3090G>T (p.Leu1030=)

Gene: MYBPC3 (myosin binding protein C3; minus strand). Cytogenetic location: 11p11.2.
Variant type: single nucleotide variant.
Coding change: c.3090G>T on transcript NM_000256.3 (MANE Select); coding-DNA position 3090, G replaced by T.
Protein change: p.Leu1030=; no amino-acid change (leucine 1030 retained).
Molecular consequence: synonymous variant.
Genome position (GRCh38, 1-based): chr11:47,333,657, C>A on the plus strand (G>T on the coding strand, the complement: MYBPC3 is on the minus strand). VCF-style: chr11-47333657-C-A. GRCh37 (hg19) VCF-style: chr11-47355208-C-A.
Other names: c.3090G>T, p.Leu1030= (LRG_386t1).
Identifiers: ClinVar variation 520344 (VCV000520344.17), dbSNP rs770351760, ClinGen allele CA079118.